The following is an entry in ClinVar:

NM_005422.4(TECTA):c.3250A>G (p.Met1084Val)

Genes: TBCEL-TECTA (TBCEL-TECTA readthrough; plus strand), TECTA (tectorin alpha; plus strand). Cytogenetic location: 11q23.3.
Variant type: single nucleotide variant.
Coding change: c.3250A>G on transcript NM_005422.4 (MANE Select); coding-DNA position 3250, A replaced by G.
Protein change: p.Met1084Val; replaces methionine 1084 with valine.
Molecular consequence: missense variant.
Genome position (GRCh38, 1-based): chr11:121,137,729, A>G. VCF-style: chr11-121137729-A-G. GRCh37 (hg19) VCF-style: chr11-121008438-A-G.
Other names: c.4207A>G, p.Met1403Val (NM_001378761.1); short protein forms M1084V, M1403V.
Identifiers: ClinVar variation 2642468 (VCV002642468.25), dbSNP rs780569394, ClinGen allele CA6327172.

ClinVar aggregate classification (germline): Conflicting classifications of pathogenicity. Review status: criteria provided, conflicting classifications (1 of 4 stars). 2 submissions from 2 submitters: Uncertain significance (1); Likely benign (1). Last evaluated 2023-07-13.

Allele frequency attached by ClinVar (database versions not stated): ExAC 0.00001; gnomAD 0.00002.

Submissions (2):

Blueprint Genetics
Classification: Uncertain significance. Last evaluated: 2023-07-13. Review status: criteria provided, single submitter. Criteria: ACMG Guidelines, 2015. Collection method: clinical testing. Allele origin: germline.

CeGaT Center for Human Genetics Tuebingen
Classification: Likely benign. Last evaluated: 2022-08-01. Review status: criteria provided, single submitter. Criteria: CeGaT Center For Human Genetics Tuebingen Variant Classification Criteria Version 2. Collection method: clinical testing. Allele origin: germline. Affected: yes. Observed: 1 variant allele.
Comment: TECTA: BP4